The following is an entry in ClinVar:

ClinVar aggregate classification (germline): Uncertain significance (1 of 4 stars; one submission).

Submission:

Labcorp Genetics (formerly Invitae), Labcorp
Classification: Uncertain significance. Last evaluated: 2022-10-09. Review status: criteria provided, single submitter. Criteria: Invitae Variant Classification Sherloc (09022015). Collection method: clinical testing. Allele origin: germline.
Comment: This variant has not been reported in the literature in individuals affected with MYO6-related conditions. In summary, the available evidence is currently insufficient to determine the role of this variant in disease. Therefore, it has been classified as a Variant of Uncertain Significance. Advanced modeling of protein sequence and biophysical properties (such as structural, functional, and spatial information, amino acid conservation, physicochemical variation, residue mobility, and thermodynamic stability) performed at Invitae indicates that this missense variant is not expected to disrupt MYO6 protein function. This variant is not present in population databases (gnomAD no frequency). This sequence change replaces glutamic acid, which is acidic and polar, with glycine, which is neutral and non-polar, at codon 932 of the MYO6 protein (p.Glu932Gly).

NM_004999.4(MYO6):c.2795A>G (p.Glu932Gly)

Gene: MYO6 (myosin VI; plus strand). Cytogenetic location: 6q14.1.
Variant type: single nucleotide variant.
Coding change: c.2795A>G on transcript NM_004999.4 (MANE Select); coding-DNA position 2795, A replaced by G.
Protein change: p.Glu932Gly; replaces glutamic acid 932 with glycine.
Molecular consequence: missense variant. On other transcripts: non-coding transcript variant (1).
Genome position (GRCh38, 1-based): chr6:75,890,193, A>G. VCF-style: chr6-75890193-A-G. GRCh37 (hg19) VCF-style: chr6-76599910-A-G.
Other names: c.2795A>G, p.Glu932Gly (NM_001300899.2, NM_001368136.1, NM_001368137.1 and 2 more transcripts); c.2780A>G, p.Glu927Gly (NM_001368138.1); short protein forms E927G, E932G.
Identifiers: ClinVar variation 1720699 (VCV001720699.5), dbSNP rs1191940227, ClinGen allele CA364776997.